The following is an entry in ClinVar:

NM_004852.3(ONECUT2):c.144C>G (p.Gly48=)

Gene: ONECUT2 (one cut homeobox 2; plus strand). Cytogenetic location: 18q21.31.
Variant type: single nucleotide variant.
Coding change: c.144C>G on transcript NM_004852.3 (MANE Select); coding-DNA position 144, C replaced by G.
Protein change: p.Gly48=; no amino-acid change (glycine 48 retained).
Molecular consequence: synonymous variant.
Genome position (GRCh38, 1-based): chr18:57,435,860, C>G. VCF-style: chr18-57435860-C-G. GRCh37 (hg19) VCF-style: chr18-55103092-C-G.
Identifiers: ClinVar variation 2648744 (VCV002648744.24), dbSNP rs1039196306, ClinGen allele CA300840475.

ClinVar aggregate classification (germline): Likely benign (1 of 4 stars; one submission).

Submission:

CeGaT Center for Human Genetics Tuebingen
Classification: Likely benign. Last evaluated: 2024-12-01. Review status: criteria provided, single submitter. Criteria: CeGaT Center For Human Genetics Tuebingen Variant Classification Criteria Version 2. Collection method: clinical testing. Allele origin: germline. Affected: yes. Observed: 2 variant alleles.
Comment: ONECUT2: BP4, BP7